The following is an entry in ClinVar:

ClinVar aggregate classification (germline): Uncertain significance (1 of 4 stars; one submission).

gnomAD v4.1: 4 of 1,210,214 alleles (0.00033%); highest among the groups gnomAD compares: African/African-American, 0.0035%; no homozygotes.

Submission:

Dasa
Classification: Uncertain significance. Last evaluated: 2025-06-17. Review status: criteria provided, single submitter. Criteria: DASA Assertion Criteria. Collection method: clinical testing. Allele origin: germline.
Comment: NM_001039591.3(USP9X):c.7007A>G (p.Tyr2336Cys) is a missense variant that results in the substitution of tyrosine with cysteine. This variant is rare in population databases. Computational prediction algorithms are consistent with a benign effect. The currently available literature and clinical evidence are not sufficient to establish a definitive association between this variant and the reported condition. Therefore, this variant is classified as a variant of uncertain significance.

NM_001039591.3(USP9X):c.7007A>G (p.Tyr2336Cys)

Gene: USP9X (ubiquitin specific peptidase 9 X-linked; plus strand). Cytogenetic location: Xp11.4.
Variant type: single nucleotide variant.
Coding change: c.7007A>G on transcript NM_001039591.3 (MANE Select); coding-DNA position 7007, A replaced by G.
Protein change: p.Tyr2336Cys; replaces tyrosine 2336 with cysteine.
Molecular consequence: missense variant.
Genome position (GRCh38, 1-based): chrX:41,225,083, A>G. VCF-style: chrX-41225083-A-G. GRCh37 (hg19) VCF-style: chrX-41084336-A-G.
Other names: c.7007A>G, p.Tyr2336Cys (NM_001039590.3); c.7022A>G, p.Tyr2341Cys (NM_001410748.1, NM_001410749.1, NM_001437534.1); short protein forms Y2336C, Y2341C.
Identifiers: ClinVar variation 4882461 (VCV004882461.2).